The following is an entry in ClinVar:

ClinVar aggregate classification (germline): Uncertain significance. Review status: criteria provided, multiple submitters, no conflicts (2 of 4 stars). 5 submissions from 5 submitters: Uncertain significance (5). Last evaluated 2026-05-14.

Conditions:
Dilated cardiomyopathy 1G (CMD1G). Identifiers: Orphanet 154, MedGen C1858763, MONDO:0011400, OMIM 604145.
Autosomal recessive limb-girdle muscular dystrophy type 2J (LGMDR10). Also called: Limb-girdle muscular dystrophy, type 2J; MUSCULAR DYSTROPHY, LIMB-GIRDLE, AUTOSOMAL RECESSIVE 10. Identifiers: Orphanet 140922, MedGen C1837342, MONDO:0012127, OMIM 608807.
Myopathy, myofibrillar, 9, with early respiratory failure (MFM9). Also called: EDSTROM MYOPATHY; MYOPATHY, PROXIMAL, WITH EARLY RESPIRATORY MUSCLE INVOLVEMENT; Myopathy, distal, with early respiratory failure, autosomal dominant; Hereditary myopathy with early respiratory failure. Identifiers: Orphanet 178464, Orphanet 34521, MedGen C1863599, MONDO:0011362, OMIM 603689.
Tibial muscular dystrophy (TMD). Also called: UDD MYOPATHY; Tibial muscular dystrophy, tardive; Udd Distal Myopathy – Tibial Muscular Dystrophy. Identifiers: Orphanet 609, MedGen C1838244, MONDO:0010870, OMIM 600334.
Early-onset myopathy with fatal cardiomyopathy (CMYO5). Also called: Salih Myopathy; CONGENITAL MYOPATHY 5 WITH CARDIOMYOPATHY. Identifiers: Orphanet 289377, MedGen C2673677, MONDO:0012714, OMIM 611705. Disease mechanism: loss of function.
Hypertrophic cardiomyopathy 9. Also called: Familial hypertrophic cardiomyopathy 9. Identifiers: MedGen C1861065, MONDO:0013412, OMIM 613765.
TTN-related disorder. Also called: TTN-related disorders; TTN-related condition; TTN-related disease.

Allele frequency attached by ClinVar (database versions not stated): ExAC 0.00001; gnomAD exomes 0.00001; gnomAD 0.00003; TOPMed 0.00004; ESP Exome Variant Server 0.00008.
gnomAD v4.1: 24 of 1,613,590 alleles (0.0015%); highest among the groups gnomAD compares: Non-Finnish European, 0.0019%; no homozygotes.

Submissions (5):

PreventionGenetics, part of Exact Sciences
Classification: Uncertain significance for TTN-related condition. Last evaluated: 2026-05-14. Review status: criteria provided, single submitter. Criteria: ACMG Guidelines, 2015. Collection method: clinical testing. Allele origin: germline.
Comment: The TTN c.24482G>A variant is predicted to result in the amino acid substitution p.Cys8161Tyr. To our knowledge, this variant has not been reported in the literature. This variant is reported in 0.0065% of alleles in individuals of European (Non-Finnish) descent in gnomAD. At this time, the clinical significance of this variant is uncertain due to the absence of conclusive functional and genetic evidence.

CeGaT Center for Human Genetics Tuebingen
Classification: Uncertain significance. Last evaluated: 2026-03-01. Review status: criteria provided, single submitter. Criteria: CeGaT Center For Human Genetics Tuebingen Variant Classification Criteria Version 2. Collection method: clinical testing. Allele origin: germline. Affected: yes. Observed: 2 variant alleles.
Comment: TTN: PM2

Fulgent Genetics
Classification: Uncertain significance for Tibial muscular dystrophy; Myopathy, myofibrillar, 9, with early respiratory failure; Dilated cardiomyopathy 1G; Autosomal recessive limb-girdle muscular dystrophy type 2J; Early-onset myopathy with fatal cardiomyopathy; Hypertrophic cardiomyopathy 9. Last evaluated: 2024-06-07. Review status: criteria provided, single submitter. Criteria: ACMG Guidelines, 2015. Collection method: clinical testing. Allele origin: germline.

GeneDx
Classification: Uncertain significance. Last evaluated: 2023-03-02. Review status: criteria provided, single submitter. Criteria: GeneDx Variant Classification Process June 2021. Collection method: clinical testing. Allele origin: germline. Affected: yes.
Comment: Not observed at significant frequency in large population cohorts (gnomAD); Missense variant in a gene in which most reported pathogenic variants are truncating/loss of function; Has not been previously published as pathogenic or benign to our knowledge

Labcorp Genetics (formerly Invitae), Labcorp
Classification: Uncertain significance for Dilated cardiomyopathy 1G; Autosomal recessive limb-girdle muscular dystrophy type 2J. Last evaluated: 2017-11-04. Review status: criteria provided, single submitter. Criteria: Invitae Variant Classification Sherloc (09022015). Collection method: clinical testing. Allele origin: germline.

NM_001267550.2(TTN):c.24482G>A (p.Cys8161Tyr)

Gene: TTN (titin; minus strand). Cytogenetic location: 2q31.2.
Variant type: single nucleotide variant.
Coding change: c.24482G>A on transcript NM_001267550.2 (MANE Select); coding-DNA position 24482, G replaced by A.
Protein change: p.Cys8161Tyr; replaces cysteine 8161 with tyrosine.
Molecular consequence: missense variant. On other transcripts: intron variant (3).
Genome position (GRCh38, 1-based): chr2:178,718,718, C>T on the plus strand (G>A on the coding strand, the complement: TTN is on the minus strand). VCF-style: chr2-178718718-C-T. GRCh37 (hg19) VCF-style: chr2-179583445-C-T.
Other names: c.24482G>A (NM_001267550.1); c.23531G>A, p.Cys7844Tyr (NM_001256850.1); c.20750G>A, p.Cys6917Tyr (NM_133378.4); c.13282+19364G>A (NM_003319.4); c.13858+19364G>A (NM_133437.4); c.13657+19364G>A (NM_133432.3); short protein forms C8161Y, C6917Y, C7844Y.
Identifiers: ClinVar variation 535335 (VCV000535335.17), dbSNP rs372143487, ClinGen allele CA2000426.